The following is an entry in ClinVar:

NM_003820.4(TNFRSF14):c.305-328C>A

Gene: TNFRSF14 (TNF receptor superfamily member 14; plus strand). Cytogenetic location: 1p36.32.
Variant type: single nucleotide variant.
Coding change: c.305-328C>A on transcript NM_003820.4 (MANE Select); 328 bases into the intron before coding-DNA position 305, C replaced by A.
Molecular consequence: intron variant.
Genome position (GRCh38, 1-based): chr1:2,559,495, C>A. VCF-style: chr1-2559495-C-A. GRCh37 (hg19) VCF-style: chr1-2490934-C-A.
Other names: c.305-328C>A (NM_001297605.2).
Identifiers: ClinVar variation 133405 (VCV000133405.1), dbSNP rs143920314, ClinGen allele CA156497.

ClinVar aggregate classification (germline): not provided (0 of 4 stars; one submission).

Allele frequency attached by ClinVar (database versions not stated): 1000 Genomes Project 30x 0.00016; gnomAD 0.00037 and 0.00038; gnomAD exomes 0.00045 and 0.00051; ExAC 0.00049; TOPMed 0.00049.
gnomAD v4.1: 660 of 1,464,822 alleles (0.045%); highest among the groups gnomAD compares: Middle Eastern, 0.37%; 3 homozygotes.

Submission:

ITMI
No classification provided. Condition: AllHighlyPenetrant. Last evaluated: 2013-09-19. Review status: no classification provided. Collection method: reference population. Allele origin: germline.
Comment: Please see associated publication for description of ethnicities

Literature cited by the submitters: PubMed 24728327.